The following is an entry in ClinVar:

ClinVar aggregate classification (germline): Uncertain significance. Review status: criteria provided, multiple submitters, no conflicts (2 of 4 stars). 2 submissions from 2 submitters: Uncertain significance (2). Last evaluated 2024-03-05.

Conditions:
Familial cancer of breast. Also called: hereditary breast carcinoma; BREAST CANCER, FAMILIAL; Hereditary breast cancer. Identifiers: Orphanet 227535, MedGen C0346153, MONDO:0016419, OMIM 114480. Disease mechanism: loss of function.
Hereditary cancer-predisposing syndrome. Also called: Tumor predisposition; Hereditary neoplastic syndrome; Hereditary Cancer Syndrome; Neoplastic Syndromes, Hereditary. Identifiers: Orphanet 140162, MedGen C0027672, MeSH D009386, MONDO:0015356.

Submissions (2):

Labcorp Genetics (formerly Invitae), Labcorp
Classification: Uncertain significance for Familial cancer of breast. Last evaluated: 2024-03-05. Review status: criteria provided, single submitter. Criteria: Invitae Variant Classification Sherloc (09022015). Collection method: clinical testing. Allele origin: germline.
Comment: This sequence change replaces glycine, which is neutral and non-polar, with arginine, which is basic and polar, at codon 370 of the CHEK2 protein (p.Gly370Arg). This variant is not present in population databases (gnomAD no frequency). This variant has not been reported in the literature in individuals affected with CHEK2-related conditions. ClinVar contains an entry for this variant (Variation ID: 577537). An algorithm developed to predict the effect of missense changes on protein structure and function (PolyPhen-2) suggests that this variant is likely to be disruptive. Algorithms developed to predict the effect of sequence changes on RNA splicing suggest that this variant may disrupt the consensus splice site. In summary, the available evidence is currently insufficient to determine the role of this variant in disease. Therefore, it has been classified as a Variant of Uncertain Significance.

Ambry Genetics
Classification: Uncertain significance for Hereditary cancer-predisposing syndrome. Last evaluated: 2020-11-17. Review status: criteria provided, single submitter. Criteria: Ambry Variant Classification Scheme 2023. Collection method: clinical testing. Allele origin: germline.
Comment: The p.G370R variant (also known as c.1108G>A), located in coding exon 10 of the CHEK2 gene, results from a G to A substitution at nucleotide position 1108. The glycine at codon 370 is replaced by arginine, an amino acid with dissimilar properties. This amino acid position is well conserved in available vertebrate species. In addition, this alteration is predicted to be deleterious by in silico analysis. Since supporting evidence is limited at this time, the clinical significance of this alteration remains unclear.

NM_007194.4(CHEK2):c.1108G>A (p.Gly370Arg)

Gene: CHEK2 (checkpoint kinase 2; minus strand). Cytogenetic location: 22q12.1.
Variant type: single nucleotide variant.
Coding change: c.1108G>A on transcript NM_007194.4 (MANE Select); coding-DNA position 1108, G replaced by A.
Protein change: p.Gly370Arg; replaces glycine 370 with arginine.
Molecular consequence: missense variant.
Genome position (GRCh38, 1-based): chr22:28,695,861, C>T on the plus strand (G>A on the coding strand, the complement: CHEK2 is on the minus strand). VCF-style: chr22-28695861-C-T. GRCh37 (hg19) VCF-style: chr22-29091849-C-T.
Other names: c.445G>A, p.Gly149Arg (NM_001257387.3); c.907G>A, p.Gly303Arg (NM_001349956.3); c.1021G>A, p.Gly341Arg (NM_145862.3); c.1237G>A, p.Gly413Arg (NM_001005735.3); short protein forms G370R, G149R, G341R, G413R, G303R.
Identifiers: ClinVar variation 577537 (VCV000577537.14), dbSNP rs1555913924, ClinGen allele CA411097146.
Genomic context (GRCh38, chr22:28,695,861, plus strand): 5'-AGGTGGGGGTTCCACATAAGGTTCTCATGAGAGAGGTCTCTCCCAAAATCTTGGAGTGCC[C>T]AAAATCAGTAATCTAAAATTCAGTACAAAAGGGAATAATGTTGAACTTGCCATAAAATAA-3'
Protein context (NP_009125.1, residues 360-380): EDCLIKITDF[Gly370Arg]HSKILGETSL